The following is an entry in ClinVar:

NM_173596.3(SLC39A5):c.1448G>A (p.Gly483Glu)

Gene: SLC39A5 (solute carrier family 39 member 5; plus strand). Cytogenetic location: 12q13.3.
Variant type: single nucleotide variant.
Coding change: c.1448G>A on transcript NM_173596.3 (MANE Select); coding-DNA position 1448, G replaced by A.
Protein change: p.Gly483Glu; replaces glycine 483 with glutamic acid.
Molecular consequence: missense variant.
Genome position (GRCh38, 1-based): chr12:56,237,309, G>A. VCF-style: chr12-56237309-G-A. GRCh37 (hg19) VCF-style: chr12-56631093-G-A.
Other names: c.1448G>A, p.Gly483Glu (NM_001135195.2); short protein forms G483E.
Identifiers: ClinVar variation 3764248 (VCV003764248.1).

ClinVar aggregate classification (germline): Uncertain significance (1 of 4 stars; one submission).

gnomAD v4.1: 14 of 1,608,810 alleles (0.00087%); highest among the groups gnomAD compares: East Asian, 0.031%; no homozygotes.

Submission:

GeneDx
Classification: Uncertain significance. Last evaluated: 2024-08-19. Review status: criteria provided, single submitter. Criteria: GeneDx Variant Classification Process June 2021. Collection method: clinical testing. Allele origin: germline. Affected: yes.
Comment: In silico analysis supports that this missense variant has a deleterious effect on protein structure/function; Has not been previously published as pathogenic or benign to our knowledge